The following is an entry in ClinVar:

ClinVar aggregate classification (germline): Uncertain significance (1 of 4 stars; one submission).

Submission:

GeneDx
Classification: Uncertain significance. Last evaluated: 2023-06-02. Review status: criteria provided, single submitter. Criteria: GeneDx Variant Classification Process June 2021. Collection method: clinical testing. Allele origin: germline. Affected: yes.
Comment: Not observed at significant frequency in large population cohorts (gnomAD); In silico analysis supports that this missense variant does not alter protein structure/function; Has not been previously published as pathogenic or benign to our knowledge

NM_001197104.2(KMT2A):c.7624C>A (p.Leu2542Met)

Gene: KMT2A (lysine methyltransferase 2A; plus strand). Cytogenetic location: 11q23.3.
Variant type: single nucleotide variant.
Coding change: c.7624C>A on transcript NM_001197104.2 (MANE Select); coding-DNA position 7624, C replaced by A.
Protein change: p.Leu2542Met; replaces leucine 2542 with methionine.
Molecular consequence: missense variant.
Genome position (GRCh38, 1-based): chr11:118,503,516, C>A. VCF-style: chr11-118503516-C-A. GRCh37 (hg19) VCF-style: chr11-118374231-C-A.
Other names: c.7714C>A, p.Leu2572Met (NM_001412597.1); c.7615C>A, p.Leu2539Met (NM_005933.4); short protein forms L2539M, L2542M, L2572M.
Identifiers: ClinVar variation 3359419 (VCV003359419.1).